The following is an entry in ClinVar:

ClinVar aggregate classification (germline): Likely benign. Review status: criteria provided, single submitter (1 of 4 stars). 2 submissions from 2 submitters: Likely benign (1). 1 of the submissions does not count toward it. Last evaluated 2024-10-28.

Conditions:
TREH-related disorder. Also called: TREH-related condition.

Allele frequency attached by ClinVar (database versions not stated): ExAC 0.00002; TOPMed 0.00002; gnomAD 0.00003.
gnomAD v4.1: 50 of 1,613,874 alleles (0.0031%); highest among the groups gnomAD compares: South Asian, 0.014%; no homozygotes.

Submissions (2):

Blueprint Genetics
Classification: Likely benign. Last evaluated: 2024-10-28. Review status: criteria provided, single submitter. Criteria: ACMG Guidelines, 2015. Collection method: clinical testing. Allele origin: germline.

PreventionGenetics, part of Exact Sciences
Classification: Likely benign for TREH-related condition. Last evaluated: 2020-03-12. Review status: no assertion criteria provided. Collection method: clinical testing. Allele origin: germline. Not counted in ClinVar's aggregate classification.
Comment: This variant is classified as likely benign based on ACMG/AMP sequence variant interpretation guidelines (Richards et al. 2015 PMID: 25741868, with internal and published modifications).

NM_007180.3(TREH):c.576G>A (p.Thr192=)

Gene: TREH (trehalase; minus strand). Cytogenetic location: 11q23.3.
Variant type: single nucleotide variant.
Coding change: c.576G>A on transcript NM_007180.3 (MANE Select); coding-DNA position 576, G replaced by A.
Protein change: p.Thr192=; no amino-acid change (threonine 192 retained).
Molecular consequence: synonymous variant. On other transcripts: intron variant (1).
Genome position (GRCh38, 1-based): chr11:118,661,678, C>T on the plus strand (G>A on the coding strand, the complement: TREH is on the minus strand). VCF-style: chr11-118661678-C-T. GRCh37 (hg19) VCF-style: chr11-118532387-C-T.
Other names: c.525-169G>A (NM_001301065.2).
Identifiers: ClinVar variation 3046917 (VCV003046917.3), dbSNP rs782713762, ClinGen allele CA6308069.
Genomic context (GRCh38, chr11:118,661,678, plus strand): 5'-GGTGCCTGGCCCCCCTCACGTTTTCACCAGGTCCAAGAAGTTCTGCAGCATGCCCTTCAC[C>T]GTCTCAGCCATCTCTGAGAGGAGCAGACCCTCCATGACCCAGTAGGAGTCCCTGGGGAAG-3'
Protein context (NP_009111.2, residues 182-202): EGLLLSEMAE[Thr192=]VKGMLQNFLD